The following is an entry in ClinVar:

ClinVar aggregate classification (germline): Likely pathogenic (1 of 4 stars; one submission).

Conditions:
Glycogen storage disease, type II (IOPD). Also called: Pompe Disease; CARDIOMEGALIA GLYCOGENICA DIFFUSA; GLYCOGENOSIS, GENERALIZED, CARDIAC FORM; GSD II; POMPE DISEASE, INFANTILE-ONSET; GLYCOGEN STORAGE DISEASE II, INFANTILE-ONSET. Identifiers: Orphanet 365, MedGen C0017921, MONDO:0009290, OMIM 232300.

Submission:

Genomenon, Inc
Classification: Likely pathogenic for Glycogen storage disease, type II. Last evaluated: 2026-07-01. Review status: criteria provided, single submitter. Criteria: Genomenon Sequence Variant Interpretation Standards - Updated. Collection method: curation. Allele origin: germline. Affected: no.
Comment: GAA c.1637-2del is a deletion that affects the acceptor splice site of intron 11. It is predicted to affect mRNA splicing, leading to a deleterious effect on the GAA protein. This variant has been reported in the published literature (PMID:34530085). At least one splicing study has demonstrated that this variant results in aberrant splicing (PMID:34530085). It is absent or not present at a significant frequency in gnomAD. In conclusion, we classify GAA c.1637-2del as a likely pathogenic variant.

Literature cited by the submitters: PubMed 34530085.

NM_000152.5(GAA):c.1637-2del

Gene: GAA (alpha glucosidase; plus strand). Cytogenetic location: 17q25.3.
Variant type: Deletion.
Coding change: c.1637-2del on transcript NM_000152.5 (MANE Select); the canonical splice acceptor site of the intron before coding-DNA position 1637, one base deleted (A; older notation c.1637-2delA).
Molecular consequence: splice acceptor variant.
Genome position (GRCh38, 1-based): chr17:80,111,981, A deleted. VCF-style (leftmost placement, unchanged base first): chr17-80111980-CA-C. GRCh37 (hg19) VCF-style: chr17-78085779-CA-C.
Other names: c.1637-2del (NM_001406741.1, NM_001406742.1, NM_001079803.3 and 1 more transcripts).
Identifiers: ClinVar variation 4876323 (VCV004876323.1).